The following is an entry in ClinVar:

ClinVar aggregate classification (germline): Uncertain significance (1 of 4 stars; one submission).

Allele frequency attached by ClinVar (database versions not stated): ExAC 0.00002; gnomAD 0.00003; TOPMed 0.00003; gnomAD exomes 0.00004; ESP Exome Variant Server 0.00031.
gnomAD v4.1: 63 of 1,614,070 alleles (0.0039%); highest among the groups gnomAD compares: East Asian, 0.0089%; no homozygotes.

Submission:

Labcorp Genetics (formerly Invitae), Labcorp
Classification: Uncertain significance. Last evaluated: 2025-09-01. Review status: criteria provided, single submitter. Criteria: Invitae Variant Classification Sherloc (09022015). Collection method: clinical testing. Allele origin: germline.
Comment: This sequence change replaces arginine, which is basic and polar, with glutamine, which is neutral and polar, at codon 255 of the TGFB1 protein (p.Arg255Gln). This variant is present in population databases (rs149900977, gnomAD 0.01%). This variant has not been reported in the literature in individuals affected with TGFB1-related conditions. ClinVar contains an entry for this variant (Variation ID: 1907528). Invitae Evidence Modeling of protein sequence and biophysical properties (such as structural, functional, and spatial information, amino acid conservation, physicochemical variation, residue mobility, and thermodynamic stability) indicates that this missense variant is not expected to disrupt TGFB1 protein function with a negative predictive value of 80%. In summary, the available evidence is currently insufficient to determine the role of this variant in disease. Therefore, it has been classified as a Variant of Uncertain Significance.

NM_000660.7(TGFB1):c.764G>A (p.Arg255Gln)

Gene: TGFB1 (transforming growth factor beta 1; minus strand). Cytogenetic location: 19q13.2.
Variant type: single nucleotide variant.
Coding change: c.764G>A on transcript NM_000660.7 (MANE Select); coding-DNA position 764, G replaced by A.
Protein change: p.Arg255Gln; replaces arginine 255 with glutamine.
Molecular consequence: missense variant.
Genome position (GRCh38, 1-based): chr19:41,341,979, C>T on the plus strand (G>A on the coding strand, the complement: TGFB1 is on the minus strand). VCF-style: chr19-41341979-C-T. GRCh37 (hg19) VCF-style: chr19-41847884-C-T.
Other names: short protein forms R255Q.
Identifiers: ClinVar variation 1907528 (VCV001907528.5), dbSNP rs149900977, ClinGen allele CA9459994.
Genomic context (GRCh38, chr19:41,341,979, plus strand): 5'-CGGGAGCTTTGCAGATGCTGGGCCCTCTCCAGCGGGGTGGCCATGAGAAGCAGGAAAGGC[C>T]GGTTCATGCCATGAATGGTGGCCAGGTCACCTCGGCGGCCGGTAGTGAACCCTGCTTTGG-3'
Protein context (NP_000651.3, residues 245-265): GDLATIHGMN[Arg255Gln]PFLLLMATPL